The following is an entry in ClinVar:

NM_000350.3(ABCA4):c.1577A>C (p.Glu526Ala)

Gene: ABCA4 (ATP binding cassette subfamily A member 4; minus strand). Cytogenetic location: 1p22.1.
Variant type: single nucleotide variant.
Coding change: c.1577A>C on transcript NM_000350.3 (MANE Select); coding-DNA position 1577, A replaced by C.
Protein change: p.Glu526Ala; replaces glutamic acid 526 with alanine.
Molecular consequence: missense variant.
Genome position (GRCh38, 1-based): chr1:94,063,295, T>G on the plus strand (A>C on the coding strand, the complement: ABCA4 is on the minus strand). VCF-style: chr1-94063295-T-G. GRCh37 (hg19) VCF-style: chr1-94528851-T-G.
Other names: c.1577A>C, p.Glu526Ala (NM_001425324.1); short protein forms E526A.
Identifiers: ClinVar variation 956888 (VCV000956888.10), dbSNP rs1661180926, ClinGen allele CA341280627.

ClinVar aggregate classification (germline): Conflicting classifications of pathogenicity. Review status: criteria provided, conflicting classifications (1 of 4 stars). 2 submissions from 2 submitters: Likely pathogenic (1); Uncertain significance (1). Last evaluated 2019-10-30.

Conditions:
ABCA4-related disorder. Also called: ABCA4-related disorders; ABCA4-related condition. Identifiers: MedGen CN239167.

Submissions (2):

Blueprint Genetics
Classification: Likely pathogenic for ABCA4-related disorders. Last evaluated: 2019-10-30. Review status: criteria provided, single submitter. Criteria: ACMG Guidelines, 2015. Collection method: clinical testing. Allele origin: germline. Affected: yes. Observed: 1 variant allele.

Labcorp Genetics (formerly Invitae), Labcorp
Classification: Uncertain significance. Last evaluated: 2019-09-21. Review status: criteria provided, single submitter. Criteria: Invitae Variant Classification Sherloc (09022015). Collection method: clinical testing. Allele origin: germline.
Comment: In summary, the available evidence is currently insufficient to determine the role of this variant in disease. Therefore, it has been classified as a Variant of Uncertain Significance. Algorithms developed to predict the effect of missense changes on protein structure and function are either unavailable or do not agree on the potential impact of this missense change (SIFT: "Deleterious"; PolyPhen-2: "Benign"; Align-GVGD: "Class C65"). This variant has been observed in individuals affected with Stargardt disease (PMID: 26311262, 26551331). This variant is not present in population databases (ExAC no frequency). This sequence change replaces glutamic acid with alanine at codon 526 of the ABCA4 protein (p.Glu526Ala). The glutamic acid residue is highly conserved and there is a moderate physicochemical difference between glutamic acid and alanine.

Literature cited by the submitters: PubMed 26311262 (cited by Labcorp Genetics (formerly Invitae), Labcorp); PubMed 26551331 (cited by Labcorp Genetics (formerly Invitae), Labcorp).